The following is an entry in ClinVar:

ClinVar aggregate classification (germline): Pathogenic. Review status: criteria provided, multiple submitters, no conflicts (2 of 4 stars). 2 submissions from 2 submitters: Pathogenic (2). Last evaluated 2023-03-08.

Conditions:
Jeune thoracic dystrophy. Also called: Short-rib thoracic dysplasia; Jeune syndrome; Infantile thoracic dystrophy; Thoracic pelvic phalangeal dystrophy; Jeune's syndrome; Chondroectodermal dysplasia-like syndrome. Identifiers: Orphanet 474, MedGen C0265275, MONDO:0018770.

Submissions (2):

Labcorp Genetics (formerly Invitae), Labcorp
Classification: Pathogenic for Jeune thoracic dystrophy. Last evaluated: 2023-03-08. Review status: criteria provided, single submitter. Criteria: Invitae Variant Classification Sherloc (09022015). Collection method: clinical testing. Allele origin: germline.
Comment: For these reasons, this variant has been classified as Pathogenic. ClinVar contains an entry for this variant (Variation ID: 196997). This variant has not been reported in the literature in individuals affected with DYNC2H1-related conditions. This variant is not present in population databases (gnomAD no frequency). This sequence change creates a premature translational stop signal (p.Glu1949Glyfs*15) in the DYNC2H1 gene. It is expected to result in an absent or disrupted protein product. Loss-of-function variants in DYNC2H1 are known to be pathogenic (PMID: 23339108, 32753734).

Eurofins Ntd Llc (ga)
Classification: Pathogenic. Last evaluated: 2015-02-14. Review status: criteria provided, single submitter. Criteria: EGL Classification Definitions 2015. Collection method: clinical testing. Allele origin: germline. Observed: 1 variant allele, 1 heterozygote.

Literature cited by the submitters: PubMed 23339108 (cited by Labcorp Genetics (formerly Invitae), Labcorp); PubMed 32753734 (cited by Labcorp Genetics (formerly Invitae), Labcorp).

NM_001377.3(DYNC2H1):c.5846del (p.Glu1949fs)

Gene: DYNC2H1 (dynein cytoplasmic 2 heavy chain 1; plus strand). Cytogenetic location: 11q22.3.
Variant type: Deletion.
Coding change: c.5846del on transcript NM_001377.3 (MANE Select); coding-DNA position 5846, one base deleted (A; older notation c.5846delA).
Protein change: p.Glu1949fs; shifts the reading frame from glutamic acid 1949.
Molecular consequence: frameshift variant.
Genome position (GRCh38, 1-based): chr11:103,176,406, A deleted. VCF-style (leftmost placement, unchanged base first): chr11-103176405-GA-G. GRCh37 (hg19) VCF-style: chr11-103047134-GA-G.
Other names: c.5846del, p.Glu1949fs (NM_001080463.2); short protein forms E1949fs.
Identifiers: ClinVar variation 196997 (VCV000196997.8), dbSNP rs794727595, ClinGen allele CA210631.